The following is an entry in ClinVar:

NM_004239.4(TRIP11):c.4413A>C (p.Thr1471=)

Gene: TRIP11 (thyroid hormone receptor interactor 11; minus strand). Cytogenetic location: 14q32.12.
Variant type: single nucleotide variant.
Coding change: c.4413A>C on transcript NM_004239.4 (MANE Select); coding-DNA position 4413, A replaced by C.
Protein change: p.Thr1471=; no amino-acid change (threonine 1471 retained).
Molecular consequence: synonymous variant.
Genome position (GRCh38, 1-based): chr14:92,003,563, T>G on the plus strand (A>C on the coding strand, the complement: TRIP11 is on the minus strand). VCF-style: chr14-92003563-T-G. GRCh37 (hg19) VCF-style: chr14-92469907-T-G.
Other names: c.4410A>C, p.Thr1470= (NM_001321851.1).
Identifiers: ClinVar variation 314942 (VCV000314942.55), dbSNP rs144780536, ClinGen allele CA7313462.

ClinVar aggregate classification (germline): Benign/Likely benign. Review status: criteria provided, multiple submitters, no conflicts (2 of 4 stars). 8 submissions from 8 submitters: Benign (2); Likely benign (6). Last evaluated 2026-01-13.

Conditions:
Achondrogenesis, type IA (ACG1A). Identifiers: Orphanet 932, Orphanet 93299, MedGen C0265273, MONDO:0008701, OMIM 200600.
Connective tissue disorder. Also called: Connective tissue disease. Identifiers: MedGen C0009782, MONDO:0003900.

Allele frequency attached by ClinVar (database versions not stated): ESP Exome Variant Server 0.00154; TOPMed 0.00169; 1000 Genomes Project 0.00200; gnomAD 0.00202 and 0.00218; 1000 Genomes Project 30x 0.00203.
gnomAD v4.1: 4,055 of 1,614,194 alleles (0.25%); highest among the groups gnomAD compares: South Asian, 0.78%; 16 homozygotes.

Submissions (8):

Labcorp Genetics (formerly Invitae), Labcorp
Classification: Benign for Achondrogenesis, type IA. Last evaluated: 2026-01-13. Review status: criteria provided, single submitter. Criteria: Invitae Variant Classification Sherloc (09022015). Collection method: clinical testing. Allele origin: germline.

CeGaT Center for Human Genetics Tuebingen
Classification: Likely benign. Last evaluated: 2023-01-01. Review status: criteria provided, single submitter. Criteria: CeGaT Center For Human Genetics Tuebingen Variant Classification Criteria Version 2. Collection method: clinical testing. Allele origin: germline. Affected: yes. Observed: 1 variant allele.
Comment: TRIP11: BP4, BP7, BS2

GeneDx
Classification: Likely benign. Last evaluated: 2021-04-20. Review status: criteria provided, single submitter. Criteria: GeneDx Variant Classification Process June 2021. Collection method: clinical testing. Allele origin: germline. Affected: yes.

Genome Diagnostics Laboratory, The Hospital for Sick Children
Classification: Likely benign for Connective tissue disorder. Last evaluated: 2021-03-17. Review status: criteria provided, single submitter. Criteria: ACMG Guidelines, 2015. Collection method: clinical testing. Allele origin: germline.

ARUP Laboratories, Molecular Genetics and Genomics, ARUP Laboratories
Classification: Benign. Last evaluated: 2018-04-20. Review status: criteria provided, single submitter. Criteria: ARUP Molecular Germline Variant Investigation Process. Collection method: clinical testing. Allele origin: germline.

Illumina Laboratory Services, Illumina
Classification: Likely benign for Achondrogenesis, type IA. Last evaluated: 2018-01-13. Review status: criteria provided, single submitter. Criteria: ICSL Variant Classification Criteria 13 December 2019. Collection method: clinical testing. Allele origin: germline.
Comment: This variant was observed in the ICSL laboratory as part of a predisposition screen in an ostensibly healthy population. It had not been previously curated by ICSL or reported in the Human Gene Mutation Database (HGMD: prior to June 1st, 2018), and was therefore a candidate for classification through an automated scoring system. Utilizing variant allele frequency, disease prevalence and penetrance estimates, and inheritance mode, an automated score was calculated to assess if this variant is too frequent to cause the disease. Based on the score and internal cut-off values, a variant classified as likely benign is not then subjected to further curation. The score for this variant resulted in a classification of likely benign for this disease.

Eurofins Ntd Llc (ga)
Classification: Likely benign. Last evaluated: 2017-05-18. Review status: criteria provided, single submitter. Criteria: EGL Classification Definitions 2015. Collection method: clinical testing. Allele origin: germline. Observed: 1 variant allele, 1 heterozygote.

Breakthrough Genomics
Classification: Likely benign. Review status: criteria provided, single submitter. Criteria: ACMG Guidelines, 2015. Collection method: not provided. Allele origin: germline. Inheritance: Autosomal recessive inheritance. Affected: yes.